The following is an entry in ClinVar:

ClinVar aggregate classification (germline): Uncertain significance (1 of 4 stars; one submission).

Conditions:
Brugada syndrome 4 (BRGDA4). Identifiers: Orphanet 130, MedGen C2678477, MONDO:0012743, OMIM 611876.

Allele frequency attached by ClinVar (database versions not stated): ExAC 0.00001.
gnomAD v4.1: 5 of 1,613,890 alleles (0.00031%); highest among the groups gnomAD compares: Middle Eastern, 0.016%; no homozygotes.

Submission:

Labcorp Genetics (formerly Invitae), Labcorp
Classification: Uncertain significance for Brugada syndrome 4. Last evaluated: 2024-01-03. Review status: criteria provided, single submitter. Criteria: Invitae Variant Classification Sherloc (09022015). Collection method: clinical testing. Allele origin: germline.
Comment: This sequence change replaces histidine, which is basic and polar, with aspartic acid, which is acidic and polar, at codon 531 of the CACNB2 protein (p.His531Asp). This variant is present in population databases (rs772557073, gnomAD 0.0009%). This missense change has been observed in individual(s) with Brugada syndrome (PMID: 26220970). This variant is also known as p.H335D. Advanced modeling of protein sequence and biophysical properties (such as structural, functional, and spatial information, amino acid conservation, physicochemical variation, residue mobility, and thermodynamic stability) performed at Invitae indicates that this missense variant is not expected to disrupt CACNB2 protein function with a negative predictive value of 80%. In summary, the available evidence is currently insufficient to determine the role of this variant in disease. Therefore, it has been classified as a Variant of Uncertain Significance.

Literature cited by the submitters: PubMed 26220970.

NM_201596.3(CACNB2):c.1753C>G (p.His585Asp)

Gene: CACNB2 (calcium voltage-gated channel auxiliary subunit beta 2; plus strand). Cytogenetic location: 10p12.31.
Variant type: single nucleotide variant.
Coding change: c.1753C>G on transcript NM_201596.3 (MANE Select); coding-DNA position 1753, C replaced by G.
Protein change: p.His585Asp; replaces histidine 585 with aspartic acid.
Molecular consequence: missense variant.
Genome position (GRCh38, 1-based): chr10:18,539,494, C>G. VCF-style: chr10-18539494-C-G. GRCh37 (hg19) VCF-style: chr10-18828423-C-G.
Other names: c.1588C>G, p.His530Asp (NM_000724.4); c.1555C>G, p.His519Asp (NM_001167945.2); c.1474C>G, p.His492Asp (NM_001330060.2); c.1495C>G, p.His499Asp (NM_001410882.1); c.1609C>G, p.His537Asp (NM_201570.3); c.1669C>G, p.His557Asp (NM_201571.4); c.1597C>G, p.His533Asp (NM_201572.4); c.1591C>G, p.His531Asp (NM_201590.3); and 2 more; short protein forms H499D, H531D, H585D, H492D, H530D, H547D, H557D, H561D.
Identifiers: ClinVar variation 2917081 (VCV002917081.3), dbSNP rs772557073, ClinGen allele CA5430158.
Genomic context (GRCh38, chr10:18,539,494, plus strand): 5'-TCTGCCTACGTAGAGCCAAAGGAAGATTATTCCCATGACCACGTGGACCACTATGCCTCA[C>G]ACCGTGACCACAACCACAGAGACGAGACCCACGGGAGCAGTGACCACAGACACAGGGAGT-3'
Protein context (NP_963890.2, residues 575-595): SHDHVDHYAS[His585Asp]RDHNHRDETH